The following is an entry in ClinVar:

ClinVar aggregate classification (germline): Uncertain significance (1 of 4 stars; one submission).

Conditions:
Inborn genetic diseases. Identifiers: MedGen C0950123, MeSH D030342.

Allele frequency attached by ClinVar (database versions not stated): gnomAD exomes 0.00001.
gnomAD v4.1: 5 of 1,613,636 alleles (0.00031%); highest among the groups gnomAD compares: Non-Finnish European, 0.00042%; no homozygotes.

Submission:

Ambry Genetics
Classification: Uncertain significance for Inborn genetic diseases. Last evaluated: 2021-01-14. Review status: criteria provided, single submitter. Criteria: Ambry Variant Classification Scheme 2023. Collection method: clinical testing. Allele origin: germline.
Comment: The p.P909L variant (also known as c.2726C>T), located in coding exon 10 of the WNK1 gene, results from a C to T substitution at nucleotide position 2726. The proline at codon 909 is replaced by leucine, an amino acid with similar properties. This amino acid position is not well conserved in available vertebrate species. In addition, this alteration is predicted to be tolerated by in silico analysis. Since supporting evidence is limited at this time, the clinical significance of this alteration remains unclear.

NM_213655.5(WNK1):c.2726C>T (p.Pro909Leu)

Gene: WNK1 (WNK lysine deficient protein kinase 1; plus strand). Cytogenetic location: 12p13.33.
Variant type: single nucleotide variant.
Coding change: c.2726C>T on transcript NM_213655.5 (MANE Plus Clinical); coding-DNA position 2726, C replaced by T.
Protein change: p.Pro909Leu; replaces proline 909 with leucine.
Molecular consequence: missense variant. On other transcripts: intron variant (2).
Genome position (GRCh38, 1-based): chr12:868,197, C>T. VCF-style: chr12-868197-C-T. GRCh37 (hg19) VCF-style: chr12-977363-C-T.
Other names: c.2471C>T, p.Pro824Leu (NM_001184985.2); c.2140-3068C>T (NM_018979.4, NM_014823.3); short protein forms P824L, P909L.
Identifiers: ClinVar variation 1795240 (VCV001795240.2), dbSNP rs2548787342, ClinGen allele CA383339493.
Genomic context (GRCh38, chr12:868,197, plus strand): 5'-CTACAGCCAGTAGAGTAACTGGAGAGTCATGTGAGATACAGGTCCATCCTATGTTTGAAC[C>T]ATCTCAAGTTTACAGTGACTATAGACCTGGACTAGTACTTCCAGAAGAAGCTCACTATTT-3'
Protein context (NP_998820.3, residues 899-919): CEIQVHPMFE[Pro909Leu]SQVYSDYRPG